The following is an entry in ClinVar:

ClinVar aggregate classification (germline): Uncertain significance. Review status: criteria provided, multiple submitters, no conflicts (2 of 4 stars). 2 submissions from 2 submitters: Uncertain significance (2). Last evaluated 2025-12-08.

Conditions:
Colorectal cancer. Also called: Colorectal cancer, somatic; Malignant Colorectal Neoplasm. Identifiers: MedGen C0346629, MONDO:0005575, OMIM 114500.

gnomAD v4.1: 3 of 1,613,992 alleles (0.00019%); highest among the groups gnomAD compares: African/African-American, 0.0013%; no homozygotes.

Submissions (2):

Labcorp Genetics (formerly Invitae), Labcorp
Classification: Uncertain significance. Last evaluated: 2025-12-08. Review status: criteria provided, single submitter. Criteria: Invitae Variant Classification Sherloc (09022015). Collection method: clinical testing. Allele origin: germline.
Comment: This sequence change replaces arginine, which is basic and polar, with lysine, which is basic and polar, at codon 1369 of the DLC1 protein (p.Arg1369Lys). This variant is present in population databases (rs766676405, gnomAD 0.004%). This variant has not been reported in the literature in individuals affected with DLC1-related conditions. ClinVar contains an entry for this variant (Variation ID: 3595074). An algorithm developed to predict the effect of missense changes on protein structure and function outputs the following: PolyPhen-2: "Benign". The lysine amino acid residue is found in multiple mammalian species, which suggests that this missense change does not adversely affect protein function. In summary, the available evidence is currently insufficient to determine the role of this variant in disease. Therefore, it has been classified as a Variant of Uncertain Significance.

Fulgent Genetics
Classification: Uncertain significance for Colorectal cancer. Last evaluated: 2024-04-12. Review status: criteria provided, single submitter. Criteria: ACMG Guidelines, 2015. Collection method: clinical testing. Allele origin: germline.

NM_182643.3(DLC1):c.4106G>A (p.Arg1369Lys)

Gene: DLC1 (DLC1 Rho GTPase activating protein; minus strand). Cytogenetic location: 8p22.
Variant type: single nucleotide variant.
Coding change: c.4106G>A on transcript NM_182643.3 (MANE Select); coding-DNA position 4106, G replaced by A.
Protein change: p.Arg1369Lys; replaces arginine 1369 with lysine.
Molecular consequence: missense variant. On other transcripts: intron variant (1).
Genome position (GRCh38, 1-based): chr8:13,088,673, C>T on the plus strand (G>A on the coding strand, the complement: DLC1 is on the minus strand). VCF-style: chr8-13088673-C-T. GRCh37 (hg19) VCF-style: chr8-12946182-C-T.
Other names: c.2573G>A, p.Arg858Lys (NM_001348082.2, NM_001348083.1, NM_001348084.2 and 6 more transcripts); c.4106G>A, p.Arg1369Lys (NM_001413124.1, NM_001348081.2); c.2678G>A, p.Arg893Lys (NM_001413129.1); c.2888G>A, p.Arg963Lys (NM_001413130.1); c.2763+1579G>A (NM_001413139.1); c.2897G>A, p.Arg966Lys (NM_001316668.2); c.2546G>A, p.Arg849Lys (NM_001413131.1, NM_001413137.1); c.3032G>A, p.Arg1011Lys (NM_001413132.1); and 3 more; short protein forms R858K, R893K, R932K, R966K, R977K, R1011K, R1369K, R849K.
Identifiers: ClinVar variation 3595074 (VCV003595074.2).